The following is an entry in ClinVar:

NM_002778.4(PSAP):c.1340dup (p.Tyr447Ter)

Gene: PSAP (prosaposin; minus strand). Cytogenetic location: 10q22.1.
Variant type: Duplication.
Coding change: c.1340dup on transcript NM_002778.4 (MANE Select); coding-DNA position 1340, one base duplicated (A; older notation c.1340dupA).
Protein change: p.Tyr447Ter; replaces tyrosine 447 with a stop codon.
Molecular consequence: nonsense.
Genome position (GRCh38, 1-based): chr10:71,819,475, T duplicated on the plus strand (A on the coding strand, the reverse complement: PSAP is on the minus strand). VCF-style (leftmost placement, unchanged base first): chr10-71819474-G-GT. GRCh37 (hg19) VCF-style: chr10-73579231-G-GT.
Other names: c.1349dup, p.Tyr450Ter (NM_001042465.3); c.1346dup, p.Tyr449Ter (NM_001042466.3); short protein forms Y447*, Y449*, Y450*.
Identifiers: ClinVar variation 2005872 (VCV002005872.4), dbSNP rs761831797, ClinGen allele CA5547398.

ClinVar aggregate classification (germline): Pathogenic (1 of 4 stars; one submission).

Conditions:
Sphingolipid activator protein 1 deficiency. Also called: Metachromatic leukodystrophy due to saposin B deficiency; METACHROMATIC LEUKODYSTROPHY DUE TO CEREBROSIDE SULFATASE ACTIVATOR DEFICIENCY; Saposin B Deficiency. Identifiers: Orphanet 512, MedGen C0268262, MONDO:0009590, OMIM 249900.

Allele frequency attached by ClinVar (database versions not stated): ExAC 0.00001; ESP Exome Variant Server 0.00008.

Submission:

Labcorp Genetics (formerly Invitae), Labcorp
Classification: Pathogenic for Sphingolipid activator protein 1 deficiency. Last evaluated: 2023-03-01. Review status: criteria provided, single submitter. Criteria: Invitae Variant Classification Sherloc (09022015). Collection method: clinical testing. Allele origin: germline.
Comment: This sequence change creates a premature translational stop signal (p.Tyr447*) in the PSAP gene. It is expected to result in an absent or disrupted protein product. Loss-of-function variants in PSAP are known to be pathogenic (PMID: 8554069, 11309366, 17616409, 19267410, 30632081). This variant is present in population databases (rs761831797, gnomAD 0.0009%). This variant has not been reported in the literature in individuals affected with PSAP-related conditions. ClinVar contains an entry for this variant (Variation ID: 2005872). For these reasons, this variant has been classified as Pathogenic.

Literature cited by the submitters: PubMed 8554069; PubMed 11309366; PubMed 17616409; PubMed 19267410; PubMed 30632081.